The following is an entry in ClinVar:

ClinVar aggregate classification (germline): Pathogenic. Review status: criteria provided, multiple submitters, no conflicts (2 of 4 stars). 8 submissions from 8 submitters: Pathogenic (7). 1 of the submissions does not count toward it. Last evaluated 2026-04-08.

Conditions:
AVPR2-related disorder. Also called: AVPR2-related condition.
Nephrogenic syndrome of inappropriate antidiuresis (NSIAD). Identifiers: Orphanet 93606, MedGen C1845202, MONDO:0010356, OMIM 300539.
Diabetes insipidus, nephrogenic, X-linked. Also called: Nephrogenic Diabetes Insipidus, Type I. Identifiers: Orphanet 223, MedGen C1563705, MONDO:0010581, OMIM 304800.

Submissions (8):

PreventionGenetics, part of Exact Sciences
Classification: Pathogenic for AVPR2-related condition. Last evaluated: 2026-04-08. Review status: criteria provided, single submitter. Criteria: ACMG Guidelines, 2015. Collection method: clinical testing. Allele origin: germline.
Comment: The AVPR2 c.1009C>T variant is predicted to result in premature protein termination (p.Arg337*). This variant has been documented to be causative for nephrogenic diabetes insipidus (Bichet et al. 1994. PubMed ID: 8037205; Vaisbich et al. 2009. PubMed ID: 19488606). This variant has not been reported in a large population database (gnomAD), indicating this variant is rare. Nonsense variants in AVPR2 are expected to be pathogenic. This variant is interpreted as pathogenic.

GeneDx
Classification: Pathogenic. Last evaluated: 2026-01-08. Review status: criteria provided, single submitter. Criteria: GeneDx Variant Classification Process June 2021. Collection method: clinical testing. Allele origin: germline. Affected: yes.
Comment: Published functional studies demonstrate a significant decrease in cell surface expression and functional inactivity (PMID: 9027323); Nonsense variant predicted to result in protein truncation or nonsense mediated decay in a gene for which loss of function is a known mechanism of disease; Not observed at significant frequency in large population cohorts (gnomAD); This variant is associated with the following publications: (PMID: 24622440, 21917732, 11916004, 9171234, 29594432, 34101133, 7714087, 9027323, 8037205, 17020465)

Mayo Clinic Laboratories, Mayo Clinic
Classification: Pathogenic. Last evaluated: 2025-09-30. Review status: criteria provided, single submitter. Criteria: ACMG Guidelines, 2015. Collection method: clinical testing. Allele origin: germline. Observed: 1 variant allele.
Comment: PM2_supporting, PS2, PS3, PS4, PVS1_strong

3billion
Classification: Pathogenic for Diabetes insipidus, nephrogenic, X-linked. Last evaluated: 2025-06-05. Review status: criteria provided, single submitter. Criteria: ACMG Guidelines, 2015. Collection method: clinical testing. Allele origin: germline. Affected: yes.
Comment: The variant is not observed in the gnomAD v4.1.0 dataset. Predicted Consequence/Location: Stop-gained (nonsense): predicted to result in a loss or disruption of normal protein function through protein truncation. The predicted truncated protein may be shortened by less than 10%. Functional studies provide strong evidence of the variant having a damaging effect on the gene or gene product (PMID: 9027323). The variant has been reported at least twice as pathogenic with clinical assertions and evidence for the classification (ClinVar ID: VCV000010844 /PMID: 8037205). Therefore, this variant is classified as Pathogenic according to the recommendation of ACMG/AMP guideline.

Fulgent Genetics
Classification: Pathogenic for Nephrogenic syndrome of inappropriate antidiuresis; Diabetes insipidus, nephrogenic, X-linked. Last evaluated: 2024-01-17. Review status: criteria provided, single submitter. Criteria: ACMG Guidelines, 2015. Collection method: clinical testing. Allele origin: germline.

Blueprint Genetics
Classification: Pathogenic for AVPR2-related disorders. Last evaluated: 2024-01-11. Review status: criteria provided, single submitter. Criteria: ACMG Guidelines, 2015. Collection method: clinical testing. Allele origin: germline. Affected: yes. Observed: 3 variant alleles.

Labcorp Genetics (formerly Invitae), Labcorp
Classification: Pathogenic. Last evaluated: 2022-06-08. Review status: criteria provided, single submitter. Criteria: Invitae Variant Classification Sherloc (09022015). Collection method: clinical testing. Allele origin: germline.
Comment: This variant is also known as R337stop. For these reasons, this variant has been classified as Pathogenic. Experimental studies have shown that this premature translational stop signal affects AVPR2 function (PMID: 9027323). Algorithms developed to predict the effect of variants on protein structure and function are not available or were not evaluated for this variant. ClinVar contains an entry for this variant (Variation ID: 10844). This premature translational stop signal has been observed in individuals with congenital nephrogenic diabetes insipidus (PMID: 8037205, 29594432, 34101133). This variant is not present in population databases (gnomAD no frequency). This sequence change creates a premature translational stop signal (p.Arg337*) in the AVPR2 gene. While this is not anticipated to result in nonsense mediated decay, it is expected to disrupt the last 35 amino acid(s) of the AVPR2 protein.

OMIM
Classification: Pathogenic for DIABETES INSIPIDUS, NEPHROGENIC, 1, X-LINKED. Last evaluated: 1997-11-01. Review status: no assertion criteria provided. Collection method: literature only. Allele origin: germline. Not counted in ClinVar's aggregate classification.

Literature cited by the submitters: PubMed 10477148 (cited by Mayo Clinic Laboratories, Mayo Clinic); PubMed 11916004 (cited by Mayo Clinic Laboratories, Mayo Clinic); PubMed 17020465 (cited by Mayo Clinic Laboratories, Mayo Clinic); PubMed 24622440 (cited by Mayo Clinic Laboratories, Mayo Clinic); PubMed 29594432 (cited by Mayo Clinic Laboratories, Mayo Clinic and Labcorp Genetics (formerly Invitae), Labcorp); PubMed 7714087 (cited by Mayo Clinic Laboratories, Mayo Clinic and OMIM); PubMed 7933835 (cited by Mayo Clinic Laboratories, Mayo Clinic); PubMed 8037205 (cited by 3 submitters); PubMed 9027323 (cited by 3 submitters); PubMed 9171234 (cited by Mayo Clinic Laboratories, Mayo Clinic); PubMed 34101133 (cited by Labcorp Genetics (formerly Invitae), Labcorp); PubMed 9369448 (cited by OMIM).

NM_000054.7(AVPR2):c.1009C>T (p.Arg337Ter)

Gene: AVPR2 (arginine vasopressin receptor 2; plus strand). Cytogenetic location: Xq28.
Variant type: single nucleotide variant.
Coding change: c.1009C>T on transcript NM_000054.7 (MANE Select); coding-DNA position 1009, C replaced by T.
Protein change: p.Arg337Ter; replaces arginine 337 with a stop codon.
Molecular consequence: nonsense. On other transcripts: 3 prime UTR variant (1), non-coding transcript variant (1).
Genome position (GRCh38, 1-based): chrX:153,906,621, C>T. VCF-style: chrX-153906621-C-T. GRCh37 (hg19) VCF-style: chrX-153172075-C-T.
Other names: p.Arg337*; c.1009C>T (NM_000054.6); c.*185C>T (NM_001146151.3); short protein forms R337*.
Identifiers: ClinVar variation 10844 (VCV000010844.14), dbSNP rs104894753, ClinGen allele CA255571.